The following is an entry in ClinVar:

ClinVar aggregate classification (germline): Uncertain significance. Review status: criteria provided, multiple submitters, no conflicts (2 of 4 stars). 2 submissions from 2 submitters: Uncertain significance (2). Last evaluated 2024-10-01.

Submissions (2):

CeGaT Center for Human Genetics Tuebingen
Classification: Uncertain significance. Last evaluated: 2024-10-01. Review status: criteria provided, single submitter. Criteria: CeGaT Center For Human Genetics Tuebingen Variant Classification Criteria Version 2. Collection method: clinical testing. Allele origin: germline. Affected: yes. Observed: 1 variant allele.
Comment: ADGRV1: PM2, BP4

Blueprint Genetics
Classification: Uncertain significance. Last evaluated: 2018-11-04. Review status: criteria provided, single submitter. Criteria: ACMG Guidelines, 2015. Collection method: clinical testing. Allele origin: germline.

NM_032119.4(ADGRV1):c.6737A>G (p.Glu2246Gly)

Gene: ADGRV1 (adhesion G protein-coupled receptor V1; plus strand). Cytogenetic location: 5q14.3.
Variant type: single nucleotide variant.
Coding change: c.6737A>G on transcript NM_032119.4 (MANE Select); coding-DNA position 6737, A replaced by G.
Protein change: p.Glu2246Gly; replaces glutamic acid 2246 with glycine.
Molecular consequence: missense variant. On other transcripts: non-coding transcript variant (1).
Genome position (GRCh38, 1-based): chr5:90,690,827, A>G. VCF-style: chr5-90690827-A-G. GRCh37 (hg19) VCF-style: chr5-89986644-A-G.
Other names: short protein forms E2246G.
Identifiers: ClinVar variation 3389864 (VCV003389864.15).